The following is an entry in ClinVar:

NM_000222.3(KIT):c.1199A>G (p.Asn400Ser)

Gene: KIT (KIT proto-oncogene, receptor tyrosine kinase; plus strand). Cytogenetic location: 4q12.
Variant type: single nucleotide variant.
Coding change: c.1199A>G on transcript NM_000222.3 (MANE Select); coding-DNA position 1199, A replaced by G.
Protein change: p.Asn400Ser; replaces asparagine 400 with serine.
Molecular consequence: missense variant.
Genome position (GRCh38, 1-based): chr4:54,709,507, A>G. VCF-style: chr4-54709507-A-G. GRCh37 (hg19) VCF-style: chr4-55575673-A-G.
Other names: c.1199A>G, p.Asn400Ser (NM_001093772.2, NM_001385285.1, NM_001385286.1); c.1202A>G, p.Asn401Ser (NM_001385284.1, NM_001385288.1, NM_001385290.1 and 1 more transcripts); short protein forms N400S, N401S.
Identifiers: ClinVar variation 41597 (VCV000041597.28), dbSNP rs72549294, ClinGen allele CA215581.

ClinVar aggregate classification (germline): Benign/Likely benign. Review status: criteria provided, multiple submitters, no conflicts (2 of 4 stars). 9 submissions from 9 submitters: Benign (3); Likely benign (4). 2 of the submissions do not count toward it. Last evaluated 2026-08-01.

Conditions:
KIT-related disorder. Also called: KIT-related condition.
Hereditary cancer-predisposing syndrome. Also called: Neoplastic Syndromes, Hereditary; Hereditary neoplastic syndrome; Hereditary Cancer Syndrome; Tumor predisposition. Identifiers: Orphanet 140162, MedGen C0027672, MeSH D009386, MONDO:0015356.
Gastrointestinal stromal tumor. Also called: Gastrointestinal stromal tumor, somatic; Gastrointestinal stroma tumor. Identifiers: Orphanet 44890, MedGen C0238198, MeSH D046152, MONDO:0011719, OMIM 606764, HP:0100723.

Allele frequency attached by ClinVar (database versions not stated): ExAC 0.00067; 1000 Genomes Project 30x 0.00203; 1000 Genomes Project 0.00220; gnomAD exomes 0.00056; gnomAD 0.00215 and 0.00202; TOPMed 0.00223; ESP Exome Variant Server 0.00269.

Submissions (9):

CeGaT Center for Human Genetics Tuebingen
Classification: Likely benign. Last evaluated: 2026-08-01. Review status: criteria provided, single submitter. Criteria: CeGaT Center For Human Genetics Tuebingen Variant Classification Criteria Version 2. Collection method: clinical testing. Allele origin: germline. Affected: yes. Observed: 3 variant alleles.
Comment: KIT: BP4, BS1

Myriad Genetics, Inc.
Classification: Likely benign for Gastrointestinal stromal tumor. Last evaluated: 2026-05-27. Review status: criteria provided, single submitter. Criteria: Myriad Autosomal Dominant, Autosomal Recessive and X-Linked Classification Criteria (2023). Collection method: clinical testing. Allele origin: unknown.
Comment: This variant is considered likely benign. This variant has been observed at a population frequency that is significantly greater than expected given the associated disease prevalence and penetrance.

Labcorp Genetics (formerly Invitae), Labcorp
Classification: Benign for Gastrointestinal stromal tumor. Last evaluated: 2026-02-04. Review status: criteria provided, single submitter. Criteria: Invitae Variant Classification Sherloc (09022015). Collection method: clinical testing. Allele origin: germline.

ARUP Laboratories, Molecular Genetics and Genomics, ARUP Laboratories
Classification: Likely benign. Last evaluated: 2024-11-12. Review status: criteria provided, single submitter. Criteria: ARUP Molecular Germline Variant Investigation Process 2024. Collection method: clinical testing. Allele origin: germline.

GeneDx
Classification: Likely benign. Last evaluated: 2021-06-11. Review status: criteria provided, single submitter. Criteria: GeneDx Variant Classification Process June 2021. Collection method: clinical testing. Allele origin: germline. Affected: yes.

Sema4
Classification: Benign for Hereditary cancer-predisposing syndrome. Last evaluated: 2020-12-01. Review status: criteria provided, single submitter. Criteria: Sema4 Curation Guidelines. Collection method: curation. Allele origin: germline.

Ambry Genetics
Classification: Benign for Hereditary cancer-predisposing syndrome. Last evaluated: 2019-01-30. Review status: criteria provided, single submitter. Criteria: Ambry Variant Classification Scheme 2023. Collection method: clinical testing. Allele origin: germline.

PreventionGenetics, part of Exact Sciences
Classification: Benign for KIT-related condition. Last evaluated: 2019-12-24. Review status: no assertion criteria provided. Collection method: clinical testing. Allele origin: germline. Not counted in ClinVar's aggregate classification.
Comment: This variant is classified as benign based on ACMG/AMP sequence variant interpretation guidelines (Richards et al. 2015 PMID: 25741868, with internal and published modifications).

Biesecker Lab/Clinical Genomics Section, National Institutes of Health
Classification: Uncertain significance. Last evaluated: 2012-07-13. Review status: no assertion criteria provided. Collection method: research. Allele origin: germline. Affected: no. Observed: 1 variant allele. Study: ClinSeq. Not counted in ClinVar's aggregate classification.
ClinVar note: Converted during submission from variant of unknown significance to Uncertain significance.